The following is an entry in ClinVar:

NM_007294.4(BRCA1):c.4435G>A (p.Val1479Met)

Gene: BRCA1 (BRCA1 DNA repair associated; minus strand). Cytogenetic location: 17q21.31.
Variant type: single nucleotide variant.
Coding change: c.4435G>A on transcript NM_007294.4 (MANE Select); coding-DNA position 4435, G replaced by A.
Protein change: p.Val1479Met; replaces valine 1479 with methionine.
Molecular consequence: missense variant. On other transcripts: non-coding transcript variant (1).
Genome position (GRCh38, 1-based): chr17:43,076,537, C>T on the plus strand (G>A on the coding strand, the complement: BRCA1 is on the minus strand). VCF-style: chr17-43076537-C-T. GRCh37 (hg19) VCF-style: chr17-41228554-C-T.
Other names: c.997G>A, p.Val333Met (NM_001408448.1, NM_001408450.1, NM_001408445.1 and 2 more transcripts); c.991G>A, p.Val331Met (NM_001408451.1); c.985G>A, p.Val329Met (NM_001408452.1, NM_001408453.1, NM_001408454.1 and 3 more transcripts); c.982G>A, p.Val328Met (NM_001408458.1, NM_001408459.1, NM_001408460.1 and 7 more transcripts); c.979G>A, p.Val327Met (NM_001408468.1, NM_001408469.1, NM_001408470.1); c.1123G>A, p.Val375Met (NM_001408472.1, NM_007298.4, NM_007299.4 and 13 more transcripts); c.1120G>A, p.Val374Met (NM_001408473.1, NM_001408392.1, NM_001408396.1 and 8 more transcripts); c.925G>A, p.Val309Met (NM_001408474.1); and 68 more; short protein forms V1182M, V1351M, V1368M, V1410M, V1430M, V1431M, V1436M, V1451M.
Identifiers: ClinVar variation 2129609 (VCV002129609.5), dbSNP rs786203524, ClinGen allele CA10592665.
Genomic context (GRCh38, chr17:43,076,537, plus strand): 5'-ATGTTTCTTACCTTTCCACTCCTGGTTCTTTATTTTTACTGGTAGAACTATCTGCAGACA[C>T]CTCAAACTTGTCAGCAGAAAGGCCTTCTGGATTCTGGCTTATAGGGTATTCACTACTTTT-3'
Protein context (NP_009225.1, residues 1469-1489): PEGLSADKFE[Val1479Met]SADSSTSKNK

ClinVar aggregate classification (germline): Uncertain significance. Review status: criteria provided, multiple submitters, no conflicts (2 of 4 stars). 2 submissions from 2 submitters: Uncertain significance (2). Last evaluated 2025-03-31.

Conditions:
Hereditary breast ovarian cancer syndrome. Also called: Hereditary breast and ovarian cancer syndrome; BRCA1- and BRCA2-Associated Hereditary Breast and Ovarian Cancer; Hereditary breast and ovarian cancer syndrome (HBOC); Hereditary breast and/or ovarian cancer syndrome; Hereditary breast and ovarian cancer; Breast and ovarian cancer. Identifiers: Orphanet 145, MedGen C0677776, MeSH D061325, MONDO:0003582. Disease mechanism: loss of function.

Submissions (2):

Quest Diagnostics Nichols Institute San Juan Capistrano
Classification: Uncertain significance. Last evaluated: 2025-03-31. Review status: criteria provided, single submitter. Criteria: Quest Diagnostics criteria. Collection method: clinical testing. Allele origin: unknown.
Comment: The BRCA1 c.4435G>A (p.Val1479Met) variant has not been reported in individuals with BRCA1-related conditions in the published literature. It also has not been reported in large, multi-ethnic general populations (Genome Aggregation Database). Analysis of this variant using bioinformatics tools for the prediction of the effect of amino acid changes on protein structure and function yielded predictions that this variant is benign. Based on the available information, we are unable to determine the clinical significance of this variant.

Labcorp Genetics (formerly Invitae), Labcorp
Classification: Uncertain significance for Hereditary breast ovarian cancer syndrome. Last evaluated: 2022-08-16. Review status: criteria provided, single submitter. Criteria: Invitae Variant Classification Sherloc (09022015). Collection method: clinical testing. Allele origin: germline.
Comment: In summary, the available evidence is currently insufficient to determine the role of this variant in disease. Therefore, it has been classified as a Variant of Uncertain Significance. Advanced modeling of protein sequence and biophysical properties (such as structural, functional, and spatial information, amino acid conservation, physicochemical variation, residue mobility, and thermodynamic stability) performed at Invitae indicates that this missense variant is not expected to disrupt BRCA1 protein function. This variant has not been reported in the literature in individuals affected with BRCA1-related conditions. This variant is not present in population databases (gnomAD no frequency). This sequence change replaces valine, which is neutral and non-polar, with methionine, which is neutral and non-polar, at codon 1479 of the BRCA1 protein (p.Val1479Met).